The following is an entry in ClinVar:

ClinVar aggregate classification (germline): Uncertain significance (1 of 4 stars; one submission).

Allele frequency attached by ClinVar (database versions not stated): TOPMed below 0.00001; gnomAD exomes 0.00001; ExAC 0.00002.
gnomAD v4.1: 22 of 1,613,668 alleles (0.0014%); highest among the groups gnomAD compares: South Asian, 0.015%; no homozygotes.

Submission:

Labcorp Genetics (formerly Invitae), Labcorp
Classification: Uncertain significance. Last evaluated: 2023-08-17. Review status: criteria provided, single submitter. Criteria: Invitae Variant Classification Sherloc (09022015). Collection method: clinical testing. Allele origin: germline.
Comment: This sequence change replaces alanine, which is neutral and non-polar, with threonine, which is neutral and polar, at codon 907 of the RNF31 protein (p.Ala907Thr). This variant is present in population databases (rs772401706, gnomAD 0.006%). This variant has not been reported in the literature in individuals affected with RNF31-related conditions. ClinVar contains an entry for this variant (Variation ID: 1962735). In summary, the available evidence is currently insufficient to determine the role of this variant in disease. Therefore, it has been classified as a Variant of Uncertain Significance. An algorithm developed to predict the effect of missense changes on protein structure and function (PolyPhen-2) suggests that this variant is likely to be tolerated.

NM_017999.5(RNF31):c.2719G>A (p.Ala907Thr)

Gene: RNF31 (ring finger protein 31; plus strand). Cytogenetic location: 14q12.
Variant type: single nucleotide variant.
Coding change: c.2719G>A on transcript NM_017999.5 (MANE Select); coding-DNA position 2719, G replaced by A.
Protein change: p.Ala907Thr; replaces alanine 907 with threonine.
Molecular consequence: missense variant.
Genome position (GRCh38, 1-based): chr14:24,157,630, G>A. VCF-style: chr14-24157630-G-A. GRCh37 (hg19) VCF-style: chr14-24626839-G-A.
Other names: c.2266G>A, p.Ala756Thr (NM_001310332.2); short protein forms A756T, A907T.
Identifiers: ClinVar variation 1962735 (VCV001962735.5), dbSNP rs772401706, ClinGen allele CA7126142.